The following is an entry in ClinVar:

NM_016507.4(CDK12):c.925C>G (p.Arg309Gly)

Genes: CDK12 (cyclin dependent kinase 12; plus strand), LOC126862553 (CDK7 strongly-dependent group 2 enhancer GRCh37_chr17:37618166-37619365; plus strand). Cytogenetic location: 17q12.
Variant type: single nucleotide variant.
Coding change: c.925C>G on transcript NM_016507.4 (MANE Select); coding-DNA position 925, C replaced by G.
Protein change: p.Arg309Gly; replaces arginine 309 with glycine.
Molecular consequence: missense variant.
Genome position (GRCh38, 1-based): chr17:39,462,996, C>G. VCF-style: chr17-39462996-C-G. GRCh37 (hg19) VCF-style: chr17-37619249-C-G.
Other names: c.925C>G, p.Arg309Gly (NM_015083.4); short protein forms R309G.
Identifiers: ClinVar variation 4868443 (VCV004868443.1).

ClinVar aggregate classification (germline): Uncertain significance (1 of 4 stars; one submission).

gnomAD v4.1: 3 of 1,614,126 alleles (0.00019%); highest among the groups gnomAD compares: South Asian, 0.0011%; no homozygotes.

Submission:

Ambry Genetics
Classification: Uncertain significance. Last evaluated: 2026-03-15. Review status: criteria provided, single submitter. Criteria: Ambry Variant Classification Scheme 2023. Collection method: clinical testing. Allele origin: germline.
Comment: The p.R309G variant (also known as c.925C>G), located in coding exon 1 of the CDK12 gene, results from a C to G substitution at nucleotide position 925. The arginine at codon 309 is replaced by glycine, an amino acid with dissimilar properties. This amino acid position is conserved. In addition, this alteration is predicted to be tolerated by in silico analysis. Based on the available evidence, the clinical significance of this variant remains unclear.